The following is an entry in ClinVar:

NM_001458.5(FLNC):c.6043G>A (p.Val2015Met)

Genes: FLNC-AS1 (FLNC antisense RNA 1; minus strand), FLNC (filamin C; plus strand). Cytogenetic location: 7q32.1.
Variant type: single nucleotide variant.
Coding change: c.6043G>A on transcript NM_001458.5 (MANE Select); coding-DNA position 6043, G replaced by A.
Protein change: p.Val2015Met; replaces valine 2015 with methionine.
Molecular consequence: missense variant.
Genome position (GRCh38, 1-based): chr7:128,852,866, G>A. VCF-style: chr7-128852866-G-A. GRCh37 (hg19) VCF-style: chr7-128492920-G-A.
Other names: c.5944G>A, p.Val1982Met (NM_001127487.2); short protein forms V1982M, V2015M.
Identifiers: ClinVar variation 658770 (VCV000658770.10), dbSNP rs775231810, ClinGen allele CA166190150.
Genomic context (GRCh38, chr7:128,852,866, plus strand): 5'-GCCTAACACCCACTTTCCACAGGGATCTCCTTCACCCCCAAGGAGGTCGGGGAGCACGTG[G>A]TGAGCGTGCGCAAGAGTGGCAAGCATGTCACCAACAGCCCCTTCAAGATCCTGGTGGGGC-3'
Protein context (NP_001449.3, residues 2005-2025): FTPKEVGEHV[Val2015Met]SVRKSGKHVT

ClinVar aggregate classification (germline): Uncertain significance. Review status: criteria provided, multiple submitters, no conflicts (2 of 4 stars). 2 submissions from 2 submitters: Uncertain significance (2). Last evaluated 2026-01-09.

Conditions:
Cardiovascular phenotype. Identifiers: MedGen CN230736.
Dilated Cardiomyopathy, Dominant.
Distal myopathy with posterior leg and anterior hand involvement. Also called: WILLIAMS DISTAL MYOPATHY. Identifiers: Orphanet 63273, MedGen C3279722, MONDO:0013550, OMIM 614065.
Hypertrophic cardiomyopathy 26. Also called: Cardiomyopathy, familial hypertrophic, 26. Identifiers: Orphanet 75249, MedGen C4310749, MONDO:0014883, OMIM 617047.
Myofibrillar myopathy 5. Also called: Filaminopathy (type); FILAMINOPATHY, AUTOSOMAL DOMINANT. Identifiers: Orphanet 171445, MedGen C1836050, MONDO:0012289, OMIM 609524.

Allele frequency attached by ClinVar (database versions not stated): TOPMed below 0.00001; gnomAD 0.00001.
gnomAD v4.1: 6 of 1,613,748 alleles (0.00037%); highest among the groups gnomAD compares: South Asian, 0.0033%; no homozygotes.

Submissions (2):

Ambry Genetics
Classification: Uncertain significance for Cardiovascular phenotype. Last evaluated: 2026-01-09. Review status: criteria provided, single submitter. Criteria: Ambry Variant Classification Scheme 2023. Collection method: clinical testing. Allele origin: germline.
Comment: The c.6043G>A (p.V2015M) alteration is located in exon 37 (coding exon 37) of the FLNC gene. This alteration results from a G to A substitution at nucleotide position 6043, causing the valine (V) at amino acid position 2015 to be replaced by a methionine (M). Based on data from gnomAD, the A allele has an overall frequency of 0.001% (2/280822) total alleles studied. The highest observed frequency was 0.003% (1/30602) of South Asian alleles. Based on insufficient or conflicting evidence, the clinical significance of this alteration remains unclear.

Labcorp Genetics (formerly Invitae), Labcorp
Classification: Uncertain significance for Distal myopathy with posterior leg and anterior hand involvement; Myofibrillar myopathy 5; Hypertrophic cardiomyopathy 26. Last evaluated: 2024-06-24. Review status: criteria provided, single submitter. Criteria: Invitae Variant Classification Sherloc (09022015). Collection method: clinical testing. Allele origin: germline.
Comment: This sequence change replaces valine, which is neutral and non-polar, with methionine, which is neutral and non-polar, at codon 2015 of the FLNC protein (p.Val2015Met). This variant is present in population databases (no rsID available, gnomAD 0.003%). This variant has not been reported in the literature in individuals affected with FLNC-related conditions. ClinVar contains an entry for this variant (Variation ID: 658770). Advanced modeling of protein sequence and biophysical properties (such as structural, functional, and spatial information, amino acid conservation, physicochemical variation, residue mobility, and thermodynamic stability) has been performed at Invitae for this missense variant, however the output from this modeling did not meet the statistical confidence thresholds required to predict the impact of this variant on FLNC protein function. In summary, the available evidence is currently insufficient to determine the role of this variant in disease. Therefore, it has been classified as a Variant of Uncertain Significance.